The following is an entry in ClinVar:

NM_006348.5(COG5):c.1748A>G (p.Lys583Arg)

Gene: COG5 (component of oligomeric golgi complex 5; minus strand). Cytogenetic location: 7q22.3.
Variant type: single nucleotide variant.
Coding change: c.1748A>G on transcript NM_006348.5 (MANE Select); coding-DNA position 1748, A replaced by G.
Protein change: p.Lys583Arg; replaces lysine 583 with arginine.
Molecular consequence: missense variant. On other transcripts: intron variant (2).
Genome position (GRCh38, 1-based): chr7:107,256,733, T>C on the plus strand (A>G on the coding strand, the complement: COG5 is on the minus strand). VCF-style: chr7-107256733-T-C. GRCh37 (hg19) VCF-style: chr7-106897178-T-C.
Other names: c.1748A>G, p.Lys583Arg (NM_001161520.2, NM_001379513.1, NM_001379514.1); c.1586A>G, p.Lys529Arg (NM_001379511.1); c.1178A>G, p.Lys393Arg (NM_001379515.1); c.1034A>G, p.Lys345Arg (NM_001379516.1); c.1576-8234A>G (NM_001379512.1); c.1686+1540A>G (NM_181733.4); short protein forms K345R, K393R, K529R, K583R.
Identifiers: ClinVar variation 1488351 (VCV001488351.5), dbSNP rs1198193243, ClinGen allele CA368940542.

ClinVar aggregate classification (germline): Uncertain significance (1 of 4 stars; one submission).

Conditions:
COG5-congenital disorder of glycosylation. Also called: CONGENITAL DISORDER OF GLYCOSYLATION, TYPE IIi; CDG IIi; COG5-CDG. Identifiers: Orphanet 263487, MedGen C3150876, MONDO:0013325, OMIM 613612.

Allele frequency attached by ClinVar (database versions not stated): gnomAD exomes below 0.00001.
gnomAD v4.1: 2 of 1,605,440 alleles (0.00012%); highest among the groups gnomAD compares: Admixed American, 0.0033%; no homozygotes.

Submission:

Labcorp Genetics (formerly Invitae), Labcorp
Classification: Uncertain significance for COG5-congenital disorder of glycosylation. Last evaluated: 2022-07-11. Review status: criteria provided, single submitter. Criteria: Invitae Variant Classification Sherloc (09022015). Collection method: clinical testing. Allele origin: germline.
Comment: This sequence change replaces lysine, which is basic and polar, with arginine, which is basic and polar, at codon 614 of the COG5 protein (p.Lys614Arg). This variant is present in population databases (no rsID available, gnomAD 0.003%). This variant has not been reported in the literature in individuals affected with COG5-related conditions. ClinVar contains an entry for this variant (Variation ID: 1488351). Algorithms developed to predict the effect of missense changes on protein structure and function (SIFT, PolyPhen-2, Align-GVGD) all suggest that this variant is likely to be tolerated. Algorithms developed to predict the effect of sequence changes on RNA splicing suggest that this variant may disrupt the consensus splice site. In summary, the available evidence is currently insufficient to determine the role of this variant in disease. Therefore, it has been classified as a Variant of Uncertain Significance.